The following is an entry in ClinVar:

ClinVar aggregate classification (germline): Uncertain significance (1 of 4 stars; one submission).

Submission:

Genetic Services Laboratory, University of Chicago
Classification: Uncertain significance. Last evaluated: 2020-09-28. Review status: criteria provided, single submitter. Criteria: ACMG Guidelines, 2015. Collection method: clinical testing. Allele origin: germline. Affected: no.
Comment: DNA sequence analysis of the NAF1 gene demonstrated a sequence change, c.295C>A, in exon 1 that results in an amino acid change, p.Pro99Thr. This sequence change does not appear to have been previously described in patients with NAF1-related disorders. This sequence change is absent in the gnomAD population database. The p.Pro99Thr change affects a poorly conserved amino acid residue of the NAF1. The p.Pro99Thr substitution appears to be benign using several in-silico pathogenicity prediction tools (SIFT, PolyPhen2, Align GVGD, REVEL). Due to these contrasting evidences and the lack of functional studies, the clinical significance of the p.Pro99Thr change remains unknown at this time.

NM_138386.3(NAF1):c.295C>A (p.Pro99Thr)

Gene: NAF1 (nuclear assembly factor 1 ribonucleoprotein; minus strand). Cytogenetic location: 4q32.2.
Variant type: single nucleotide variant.
Coding change: c.295C>A on transcript NM_138386.3 (MANE Select); coding-DNA position 295, C replaced by A.
Protein change: p.Pro99Thr; replaces proline 99 with threonine.
Molecular consequence: missense variant.
Genome position (GRCh38, 1-based): chr4:163,166,433, G>T on the plus strand (C>A on the coding strand, the complement: NAF1 is on the minus strand). VCF-style: chr4-163166433-G-T. GRCh37 (hg19) VCF-style: chr4-164087585-G-T.
Other names: c.295C>A, p.Pro99Thr (NM_001128931.2); short protein forms P99T.
Identifiers: ClinVar variation 1337741 (VCV001337741.4), dbSNP rs758040980, ClinGen allele CA358661574.
Genomic context (GRCh38, chr4:163,166,433, plus strand): 5'-CCGAATCCGAGTCCGAGGTCTCCAAGGAGTCCGGCGCCCGCGCAGGCTCTGCGGCTCCTG[G>T]GGAGGTGACGCAGTCTCCGCAGGCCGGCGATTCAGCCGGTGGCTGTGGCTGCGGCGCCGG-3'
Protein context (NP_612395.2, residues 89-109): SPACGDCVTS[Pro99Thr]GAAEPARAPD